The following is an entry in ClinVar:

ClinVar aggregate classification (germline): Uncertain significance (1 of 4 stars; one submission).

Conditions:
Hereditary cancer-predisposing syndrome. Also called: Neoplastic Syndromes, Hereditary; Tumor predisposition; Hereditary neoplastic syndrome; Hereditary Cancer Syndrome. Identifiers: Orphanet 140162, MedGen C0027672, MeSH D009386, MONDO:0015356.

Submission:

Ambry Genetics
Classification: Uncertain significance for Hereditary cancer-predisposing syndrome. Last evaluated: 2026-07-07. Review status: criteria provided, single submitter. Criteria: Ambry Variant Classification Scheme 2023. Collection method: clinical testing. Allele origin: germline.
Comment: The p.R33P variant (also known as c.98G>C), located in coding exon 3 of the MAX gene, results from a G to C substitution at nucleotide position 98. The arginine at codon 33 is replaced by proline, an amino acid with dissimilar properties. This amino acid position is conserved. In addition, this alteration is predicted to be deleterious by in silico analysis. Based on the available evidence, the clinical significance of this variant remains unclear.

NM_002382.5(MAX):c.98G>C (p.Arg33Pro)

Genes: MAX (MYC associated transcriptional regulator X; minus strand), MAX-AS1 (MAX antisense RNA 1; plus strand). Cytogenetic location: 14q23.3.
Variant type: single nucleotide variant.
Coding change: c.98G>C on transcript NM_002382.5 (MANE Select); coding-DNA position 98, G replaced by C.
Protein change: p.Arg33Pro; replaces arginine 33 with proline.
Molecular consequence: missense variant. On other transcripts: non-coding transcript variant (12), 5 prime UTR variant (6), intron variant (1).
Genome position (GRCh38, 1-based): chr14:65,093,781, C>G on the plus strand (G>C on the coding strand, the complement: MAX is on the minus strand). VCF-style: chr14-65093781-C-G. GRCh37 (hg19) VCF-style: chr14-65560499-C-G.
Other names: c.71G>C, p.Arg24Pro (NM_001271068.2, NM_001271069.2, NM_001407095.1 and 9 more transcripts); c.-177G>C (NM_001320415.2, NM_001407105.1, NM_001407106.1 and 1 more transcripts); c.98G>C, p.Arg33Pro (NM_001407094.1, NM_001407096.1, NM_001407097.1 and 5 more transcripts); c.-270G>C (NM_001407111.1, NM_001407112.1); c.121G>C, p.Glu41Gln (NM_001407114.1); c.63+7765G>C (NM_001407098.1); short protein forms R33P, E41Q, R24P.
Identifiers: ClinVar variation 5023930 (VCV005023930.1).